The following is an entry in ClinVar:

NM_000051.4(ATM):c.3746+3A>T

Gene: ATM (ATM serine/threonine kinase; plus strand). Cytogenetic location: 11q22.3.
Variant type: single nucleotide variant.
Coding change: c.3746+3A>T on transcript NM_000051.4 (MANE Select); 3 bases into the intron after coding-DNA position 3746, A replaced by T.
Molecular consequence: intron variant.
Genome position (GRCh38, 1-based): chr11:108,282,882, A>T. VCF-style: chr11-108282882-A-T. GRCh37 (hg19) VCF-style: chr11-108153609-A-T.
Other names: c.3746+3A>T (NM_001351834.2).
Identifiers: ClinVar variation 2587791 (VCV002587791.3), dbSNP rs2135691310, ClinGen allele CA2582342473.

ClinVar aggregate classification (germline): Likely pathogenic (1 of 4 stars; one submission).

Conditions:
Hereditary cancer-predisposing syndrome. Also called: Tumor predisposition; Hereditary Cancer Syndrome; Hereditary neoplastic syndrome; Neoplastic Syndromes, Hereditary. Identifiers: Orphanet 140162, MedGen C0027672, MeSH D009386, MONDO:0015356.

Submission:

Ambry Genetics
Classification: Likely pathogenic for Hereditary cancer-predisposing syndrome. Last evaluated: 2024-11-13. Review status: criteria provided, single submitter. Criteria: Ambry Variant Classification Scheme 2023. Collection method: clinical testing. Allele origin: germline.
Comment: The c.3746+3A>T intronic variant results from an A to T substitution 3 nucleotides after coding exon 24 in the ATM gene. This nucleotide position is well conserved in available vertebrate species. In silico splice site analysis predicts that this alteration may weaken the native splice donor site. RNA studies have demonstrated that this alteration results in abnormal splicing in the set of samples tested (Ambry internal data). This variant is considered to be rare based on population cohorts in the Genome Aggregation Database (gnomAD). Based on the majority of available evidence to date, this variant is likely to be pathogenic.